The following is an entry in ClinVar:

ClinVar aggregate classification (germline): Uncertain significance (1 of 4 stars; one submission).

Conditions:
Perlman syndrome (PRLMNS). Identifiers: Orphanet 2849, MedGen C0796113, MONDO:0009965, OMIM 267000.

Allele frequency attached by ClinVar (database versions not stated): gnomAD exomes below 0.00001; ExAC 0.00001.
gnomAD v4.1: 1 of 1,614,156 alleles (0.000062%); highest among the groups gnomAD compares: South Asian, 0.0011%; no homozygotes.

Submission:

Labcorp Genetics (formerly Invitae), Labcorp
Classification: Uncertain significance for Renal hamartomas nephroblastomatosis and fetal gigantism. Last evaluated: 2019-12-20. Review status: criteria provided, single submitter. Criteria: Invitae Variant Classification Sherloc (09022015). Collection method: clinical testing. Allele origin: germline.
Comment: This sequence change replaces aspartic acid with asparagine at codon 478 of the DIS3L2 protein (p.Asp478Asn). The aspartic acid residue is weakly conserved and there is a small physicochemical difference between aspartic acid and asparagine. This variant is present in population databases (rs759915701, ExAC 0.006%). This variant has not been reported in the literature in individuals with DIS3L2-related conditions. Algorithms developed to predict the effect of missense changes on protein structure and function (SIFT, PolyPhen-2, Align-GVGD) all suggest that this variant is likely to be tolerated, but these predictions have not been confirmed by published functional studies and their clinical significance is uncertain. In summary, the available evidence is currently insufficient to determine the role of this variant in disease. Therefore, it has been classified as a Variant of Uncertain Significance.

NM_152383.5(DIS3L2):c.1432G>A (p.Asp478Asn)

Gene: DIS3L2 (DIS3 like 3'-5' exoribonuclease 2; plus strand). Cytogenetic location: 2q37.1.
Variant type: single nucleotide variant.
Coding change: c.1432G>A on transcript NM_152383.5 (MANE Select); coding-DNA position 1432, G replaced by A.
Protein change: p.Asp478Asn; replaces aspartic acid 478 with asparagine.
Molecular consequence: missense variant. On other transcripts: non-coding transcript variant (2).
Genome position (GRCh38, 1-based): chr2:232,263,213, G>A. VCF-style: chr2-232263213-G-A. GRCh37 (hg19) VCF-style: chr2-233127923-G-A.
Other names: c.1432G>A, p.Asp478Asn (NM_001257281.2); short protein forms D478N.
Identifiers: ClinVar variation 843144 (VCV000843144.1), dbSNP rs759915701, ClinGen allele CA2164159.